The following is an entry in ClinVar:

ClinVar aggregate classification (germline): Uncertain significance (1 of 4 stars; one submission).

Conditions:
Cardiovascular phenotype. Identifiers: MedGen CN230736.

Allele frequency attached by ClinVar (database versions not stated): TOPMed below 0.00001; gnomAD exomes 0.00001; ExAC 0.00007.
gnomAD v4.1: 15 of 1,614,140 alleles (0.00093%); highest among the groups gnomAD compares: Non-Finnish European, 0.0012%; no homozygotes.

Submission:

Ambry Genetics
Classification: Uncertain significance for Cardiovascular phenotype. Last evaluated: 2019-08-28. Review status: criteria provided, single submitter. Criteria: Ambry Variant Classification Scheme 2023. Collection method: clinical testing. Allele origin: germline.
Comment: The p.R175K variant (also known as c.524G>A), located in coding exon 4 of the SCN10A gene, results from a G to A substitution at nucleotide position 524. The arginine at codon 175 is replaced by lysine, an amino acid with highly similar properties. This amino acid position is well conserved in available vertebrate species. In addition, this alteration is predicted to be deleterious by in silico analysis. Since supporting evidence is limited at this time, the clinical significance of this alteration remains unclear.

NM_006514.4(SCN10A):c.524G>A (p.Arg175Lys)

Gene: SCN10A (sodium voltage-gated channel alpha subunit 10; minus strand). Cytogenetic location: 3p22.2.
Variant type: single nucleotide variant.
Coding change: c.524G>A on transcript NM_006514.4 (MANE Select); coding-DNA position 524, G replaced by A.
Protein change: p.Arg175Lys; replaces arginine 175 with lysine.
Molecular consequence: missense variant.
Genome position (GRCh38, 1-based): chr3:38,771,354, C>T on the plus strand (G>A on the coding strand, the complement: SCN10A is on the minus strand). VCF-style: chr3-38771354-C-T. GRCh37 (hg19) VCF-style: chr3-38812845-C-T.
Other names: c.524G>A, p.Arg175Lys (NM_001293306.2, NM_001293307.2); short protein forms R175K.
Identifiers: ClinVar variation 1746349 (VCV001746349.2), dbSNP rs747872827, ClinGen allele CA2321176.